The following is an entry in ClinVar:

NM_001715.3(BLK):c.1021T>G (p.Ser341Ala)

Genes: BLK-AS1 (BLK antisense RNA 1), BLK (BLK proto-oncogene, Src family tyrosine kinase). Cytogenetic location: 8p23.1.
Variant type: single nucleotide variant.
Coding change: c.1021T>G on transcript NM_001715.3 (MANE Select); coding-DNA position 1021, T replaced by G.
Protein change: p.Ser341Ala; replaces serine 341 with alanine.
Molecular consequence: missense variant.
Genome position (GRCh38, 1-based): chr8:11,558,030, T>G. VCF-style: chr8-11558030-T-G. GRCh37 (hg19) VCF-style: chr8-11415539-T-G.
Other names: c.808T>G, p.Ser270Ala (NM_001330465.2); short protein forms S341A, S270A.
Identifiers: ClinVar variation 549527 (VCV000549527.9), dbSNP rs567720261, ClinGen allele CA4630212.

ClinVar aggregate classification (germline): Benign/Likely benign. Review status: criteria provided, multiple submitters, no conflicts (2 of 4 stars). 4 submissions from 4 submitters: Benign (1); Likely benign (3). Last evaluated 2026-01-02.

Conditions:
Monogenic diabetes. Identifiers: Orphanet 183625, MedGen C3888631, MONDO:0015967.
Systemic lupus erythematosus (SLE). Identifiers: Orphanet 536, MedGen C0024141, MONDO:0007915, OMIM 152700, HP:0002725.
Maturity-onset diabetes of the young type 11. Identifiers: Orphanet 552, MedGen C3150618, MONDO:0013242, OMIM 613375.

Allele frequency attached by ClinVar (database versions not stated): gnomAD below 0.00001 and 0.00005; TOPMed 0.00001; gnomAD exomes 0.00018 and 0.00033; ExAC 0.00038.
gnomAD v4.1: 271 of 1,613,932 alleles (0.017%); highest among the groups gnomAD compares: South Asian, 0.29%; 2 homozygotes.

Submissions (4):

Labcorp Genetics (formerly Invitae), Labcorp
Classification: Likely benign. Last evaluated: 2026-01-02. Review status: criteria provided, single submitter. Criteria: Invitae Variant Classification Sherloc (09022015). Collection method: clinical testing. Allele origin: germline.

Illumina Laboratory Services, Illumina
Classification: Benign for Maturity-onset diabetes of the young type 11. Last evaluated: 2018-01-13. Review status: criteria provided, single submitter. Criteria: ICSL Variant Classification Criteria 13 December 2019. Collection method: clinical testing. Allele origin: germline.
Comment: This variant was observed in the ICSL laboratory as part of a predisposition screen in an ostensibly healthy population. It had not been previously curated by ICSL or reported in the Human Gene Mutation Database (HGMD: prior to June 1st, 2018), and was therefore a candidate for classification through an automated scoring system. Utilizing variant allele frequency, disease prevalence and penetrance estimates, and inheritance mode, an automated score was calculated to assess if this variant is too frequent to cause the disease. Based on the score and internal cut-off values, a variant classified as benign is not then subjected to further curation. The score for this variant resulted in a classification of benign for this disease.

Personalized Diabetes Medicine Program, University of Maryland School of Medicine
Classification: Likely benign for Monogenic diabetes. Last evaluated: 2017-05-22. Review status: criteria provided, single submitter. Criteria: ACMG Guidelines, 2015. Collection method: research. Allele origin: unknown. Observed: 1 variant allele, 1 heterozygote. Study: Personalized Diabetes Medicine Program.
Comment: ACMG Criteria:BP4 (8 predictors), BS2 (2 cases and 6 controls in T2DM)

Clinical Genomics, Uppaluri K&H Personalized Medicine Clinic
Classification: Likely benign for Systemic lupus erythematosus. Review status: criteria provided, single submitter. Criteria: K & H Uppaluri Personalized Medicine Clinic Variant Classification & Assertion Criteria_Updated V.1. Collection method: research. Allele origin: unknown.
Comment: BLK gene is associated with Systemic lupus erythematosus, sjogren's syndrome and other systemic inflammatory conditions. However no sufficient evidence is found to ascertain the role of this particular variant rs567720261, yet.

Literature cited by the submitters: PubMed 32313195 (cited by Clinical Genomics, Uppaluri K&H Personalized Medicine Clinic); PubMed 19667185 (cited by Clinical Genomics, Uppaluri K&H Personalized Medicine Clinic); PubMed 18204098 (cited by Clinical Genomics, Uppaluri K&H Personalized Medicine Clinic); PubMed 24023612 (cited by Clinical Genomics, Uppaluri K&H Personalized Medicine Clinic); PubMed 31670388 (cited by Clinical Genomics, Uppaluri K&H Personalized Medicine Clinic).